The following is an entry in ClinVar:

ClinVar aggregate classification (germline): Likely benign. Review status: criteria provided, multiple submitters, no conflicts (2 of 4 stars). 2 submissions from 2 submitters: Likely benign (2). Last evaluated 2025-02-05.

Conditions:
RP1L1-related disorder. Also called: RP1L1-related condition.

gnomAD v4.1: 50 of 1,613,424 alleles (0.0031%); highest among the groups gnomAD compares: Middle Eastern, 0.049%; 1 homozygote.

Submissions (2):

PreventionGenetics, part of Exact Sciences
Classification: Likely benign for RP1L1-related condition. Last evaluated: 2025-02-05. Review status: criteria provided, single submitter. Criteria: ACMG Guidelines, 2015. Collection method: clinical testing. Allele origin: germline.
Comment: This variant is classified as likely benign based on ACMG/AMP sequence variant interpretation guidelines (Richards et al. 2015 PMID: 25741868, with internal and published modifications).

Blueprint Genetics
Classification: Likely benign. Last evaluated: 2024-11-07. Review status: criteria provided, single submitter. Criteria: ACMG Guidelines, 2015. Collection method: clinical testing. Allele origin: germline.

NM_178857.6(RP1L1):c.4329C>T (p.Pro1443=)

Gene: RP1L1 (RP1 like 1). Cytogenetic location: 8p23.1.
Variant type: single nucleotide variant.
Coding change: c.4329C>T on transcript NM_178857.6 (MANE Select); coding-DNA position 4329, C replaced by T.
Protein change: p.Pro1443=; no amino-acid change (proline 1443 retained).
Molecular consequence: synonymous variant.
Genome position (GRCh38, 1-based): chr8:10,609,769, G>A on the plus strand (C>T on the coding strand, the complement: RP1L1 is on the minus strand). VCF-style: chr8-10609769-G-A. GRCh37 (hg19) VCF-style: chr8-10467279-G-A.
Other names: c.4329C>T (NM_178857.5).
Identifiers: ClinVar variation 4899077 (VCV004899077.2).